The following is an entry in ClinVar:

NM_024312.5(GNPTAB):c.1759C>T (p.Arg587Ter)

Gene: GNPTAB (N-acetylglucosamine-1-phosphate transferase subunits alpha and beta; minus strand). Cytogenetic location: 12q23.2.
Variant type: single nucleotide variant.
Coding change: c.1759C>T on transcript NM_024312.5 (MANE Select); coding-DNA position 1759, C replaced by T.
Protein change: p.Arg587Ter; replaces arginine 587 with a stop codon.
Molecular consequence: nonsense.
Genome position (GRCh38, 1-based): chr12:101,765,158, G>A on the plus strand (C>T on the coding strand, the complement: GNPTAB is on the minus strand). VCF-style: chr12-101765158-G-A. GRCh37 (hg19) VCF-style: chr12-102158936-G-A.
Other names: short protein forms R587*.
Identifiers: ClinVar variation 39040 (VCV000039040.13), dbSNP rs281864982, ClinGen allele CA343358.

ClinVar aggregate classification (germline): Pathogenic. Review status: criteria provided, multiple submitters, no conflicts (2 of 4 stars). 5 submissions from 5 submitters: Pathogenic (3). 2 of the submissions do not count toward it. Last evaluated 2024-04-17.

Conditions:
Mucolipidosis. Also called: Mucolipidoses. Identifiers: Orphanet 79212, MedGen C0026697, MONDO:0019248.
Mucolipidosis type II. Also called: Mucolipidosis 2; ML 2; Inclusion cell disease; Leroy Disease; N-acetylglucosamine 1phosphotransferase deficiency; ML disorder type 2. Identifiers: Orphanet 576, MedGen C2673377, MONDO:0009650, OMIM 252500.
Pseudo-Hurler polydystrophy. Also called: Type III Mucolipidosis; ML IIIA; Mucolipidosis III Alpha/Beta; MUCOLIPIDOSIS IIIA; ML III; ML III ALPHA/BETA. Identifiers: Orphanet 423461, Orphanet 577, MedGen C0033788, MONDO:0018931, OMIM 252600.

Allele frequency attached by ClinVar (database versions not stated): gnomAD exomes below 0.00001.
gnomAD v4.1: 4 of 1,614,096 alleles (0.00025%); highest among the groups gnomAD compares: Non-Finnish European, 0.00025%; no homozygotes.

Submissions (5):

Natera, Inc.
Classification: Pathogenic for Mucolipidosis type II. Last evaluated: 2024-04-17. Review status: criteria provided, single submitter. Criteria: Natera Variant Classification Schema (03/2026). Collection method: clinical testing. Allele origin: germline.
Comment: The c.1759C>T variant in GNPTAB is a nonsense variant predicted to introduce a stop codon at amino acid 587. This variant is expected to result in nonsense mediated decay, truncation, or a dysfunctional protein product. This variant is rare in the general population with a frequency below the threshold expected for the associated phenotype(s). This variant has been observed in one or more individuals affected with the associated recessive disease, as either homozygous or compound heterozygous with a second variant (PMID: 34342781). Given the available evidence, this variant is classified as Pathogenic.

Labcorp Genetics (formerly Invitae), Labcorp
Classification: Pathogenic for Pseudo-Hurler polydystrophy; Mucolipidosis type II. Last evaluated: 2023-07-28. Review status: criteria provided, single submitter. Criteria: Invitae Variant Classification Sherloc (09022015). Collection method: clinical testing. Allele origin: germline.
Comment: For these reasons, this variant has been classified as Pathogenic. ClinVar contains an entry for this variant (Variation ID: 39040). This premature translational stop signal has been observed in individuals with mucolipidosis types II and III (PMID: 19617216, 23566849). This variant is not present in population databases (gnomAD no frequency). This sequence change creates a premature translational stop signal (p.Arg587*) in the GNPTAB gene. It is expected to result in an absent or disrupted protein product. Loss-of-function variants in GNPTAB are known to be pathogenic (PMID: 19617216, 25107912).

Women's Health and Genetics/Laboratory Corporation of America, LabCorp
Classification: Pathogenic for Mucolipidosis. Last evaluated: 2021-10-15. Review status: criteria provided, single submitter. Criteria: LabCorp Variant Classification Summary - May 2015. Collection method: clinical testing. Allele origin: germline.
Comment: Variant summary: GNPTAB c.1759C>T (p.Arg587X) results in a premature termination codon, predicted to cause a truncation of the encoded protein or absence of the protein due to nonsense mediated decay, which are commonly known mechanisms for disease. Truncations downstream of this position have been classified as pathogenic by our laboratory. The variant was absent in 251420 control chromosomes. c.1759C>T has been reported in the literature in individuals affected with Mucolipidosis (example, Cathey_2010, Cury_2013, Velho_2015). At least one publication reports experimental evidence evaluating an impact on protein function. The most pronounced variant effect results in <2% of normal GlcNAc-1- phosphotransferase enzyme activity in HEK-293 cells overexpressing full-length WT or mutant /-subunit constructs (Velho_2015). Two clinical diagnostic laboratories have submitted clinical-significance assessments for this variant to ClinVar after 2014 without evidence for independent evaluation. All laboratories classified the variant as pathogenic. Based on the evidence outlined above, the variant was classified as pathogenic.

Counsyl
Classification: Pathogenic for Mucolipidosis type II; Pseudo-Hurler polydystrophy. Last evaluated: 2017-11-13. Review status: no assertion criteria provided. Collection method: clinical testing. Allele origin: unknown. Not counted in ClinVar's aggregate classification.

GeneReviews
No classification provided. Condition: Mucolipidosis type II. Review status: no classification provided. Collection method: literature only. Allele origin: unknown. Not counted in ClinVar's aggregate classification.

Literature cited by the submitters: PubMed 34342781 (cited by Natera, Inc.); PubMed 19617216 (cited by 4 submitters); PubMed 23566849 (cited by 3 submitters); PubMed 25107912 (cited by Labcorp Genetics (formerly Invitae), Labcorp); PubMed 25788519 (cited by Women's Health and Genetics/Laboratory Corporation of America, LabCorp and Counsyl); PubMed 31934135 (cited by Women's Health and Genetics/Laboratory Corporation of America, LabCorp); PubMed 20301728 (cited by GeneReviews); NCBI Bookshelf NBK1828 (cited by GeneReviews).